The following is an entry in ClinVar:

ClinVar aggregate classification (germline): Uncertain significance. Review status: criteria provided, multiple submitters, no conflicts (2 of 4 stars). 2 submissions from 2 submitters: Uncertain significance (2). Last evaluated 2025-12-15.

Allele frequency attached by ClinVar (database versions not stated): ExAC 0.00005; gnomAD exomes 0.00006; TOPMed 0.00007; ESP Exome Variant Server 0.00008; gnomAD 0.00008 and 0.00009.

Submissions (2):

Labcorp Genetics (formerly Invitae), Labcorp
Classification: Uncertain significance. Last evaluated: 2025-12-15. Review status: criteria provided, single submitter. Criteria: Invitae Variant Classification Sherloc (09022015). Collection method: clinical testing. Allele origin: germline.
Comment: This sequence change replaces arginine, which is basic and polar, with cysteine, which is neutral and slightly polar, at codon 254 of the LRRC10 protein (p.Arg254Cys). This variant is present in population databases (rs149896098, gnomAD 0.01%). This missense change has been observed in individual(s) with developmental delay and/or autism spectrum disorder (PMID: 33057194, 35982159). ClinVar contains an entry for this variant (Variation ID: 478144). An algorithm developed to predict the effect of missense changes on protein structure and function (PolyPhen-2) suggests that this variant is likely to be disruptive. In summary, the available evidence is currently insufficient to determine the role of this variant in disease. Therefore, it has been classified as a Variant of Uncertain Significance.

Ambry Genetics
Classification: Uncertain significance. Last evaluated: 2025-07-13. Review status: criteria provided, single submitter. Criteria: Ambry Variant Classification Scheme 2023. Collection method: clinical testing. Allele origin: germline.

Literature cited by the submitters: PubMed 33057194 (cited by Labcorp Genetics (formerly Invitae), Labcorp); PubMed 35982159 (cited by Labcorp Genetics (formerly Invitae), Labcorp).

NM_201550.4(LRRC10):c.760C>T (p.Arg254Cys)

Gene: LRRC10 (leucine rich repeat containing 10; minus strand). Cytogenetic location: 12q15.
Variant type: single nucleotide variant.
Coding change: c.760C>T on transcript NM_201550.4 (MANE Select); coding-DNA position 760, C replaced by T.
Protein change: p.Arg254Cys; replaces arginine 254 with cysteine.
Molecular consequence: missense variant.
Genome position (GRCh38, 1-based): chr12:69,610,079, G>A on the plus strand (C>T on the coding strand, the complement: LRRC10 is on the minus strand). VCF-style: chr12-69610079-G-A. GRCh37 (hg19) VCF-style: chr12-70003859-G-A.
Other names: c.760C>T (NM_201550.2); short protein forms R254C.
Identifiers: ClinVar variation 478144 (VCV000478144.11), dbSNP rs149896098, ClinGen allele CA6681002.